The following is an entry in ClinVar:

NM_000138.5(FBN1):c.8073C>T (p.Gly2691=)

Gene: FBN1 (fibrillin 1; minus strand). Cytogenetic location: 15q21.1.
Variant type: single nucleotide variant.
Coding change: c.8073C>T on transcript NM_000138.5 (MANE Select); coding-DNA position 8073, C replaced by T.
Protein change: p.Gly2691=; no amino-acid change (glycine 2691 retained).
Molecular consequence: synonymous variant.
Genome position (GRCh38, 1-based): chr15:48,412,722, G>A on the plus strand (C>T on the coding strand, the complement: FBN1 is on the minus strand). VCF-style: chr15-48412722-G-A. GRCh37 (hg19) VCF-style: chr15-48704919-G-A.
Other names: c.8073C>T, p.Gly2691= (NM_001406716.1).
Identifiers: ClinVar variation 2144224 (VCV002144224.6), dbSNP rs2505375816, ClinGen allele CA490014788.

ClinVar aggregate classification (germline): Conflicting classifications of pathogenicity. Review status: criteria provided, conflicting classifications (1 of 4 stars). 3 submissions from 3 submitters: Uncertain significance (1); Likely benign (2). Last evaluated 2026-05-23.

Conditions:
Familial thoracic aortic aneurysm and aortic dissection (TAAD). Also called: Thoracic aortic aneurysms and dissections. Identifiers: Orphanet 91387, MedGen C4707243, MONDO:0019625.
Marfan syndrome (MFS). Also called: MARFAN SYNDROME, TYPE I; Marfan syndrome type 1; Marfan's syndrome; Marfan syndrome, classic; FBN1-Related Marfan Syndrome. Identifiers: Orphanet 284963, Orphanet 558, MedGen C0024796, MONDO:0007947, OMIM 154700.

Allele frequency attached by ClinVar (database versions not stated): gnomAD exomes below 0.00001.
gnomAD v4.1: 1 of 1,614,226 alleles (0.000062%); highest among the groups gnomAD compares: Non-Finnish European, 0.000085%; no homozygotes.

Submissions (3):

Ambry Genetics
Classification: Likely benign for Familial thoracic aortic aneurysm and aortic dissection. Last evaluated: 2026-05-23. Review status: criteria provided, single submitter. Criteria: Ambry Variant Classification Scheme 2023. Collection method: clinical testing. Allele origin: germline.

Labcorp Genetics (formerly Invitae), Labcorp
Classification: Likely benign for Marfan syndrome; Familial thoracic aortic aneurysm and aortic dissection. Last evaluated: 2025-12-08. Review status: criteria provided, single submitter. Criteria: Invitae Variant Classification Sherloc (09022015). Collection method: clinical testing. Allele origin: germline.

All of Us Research Program, National Institutes of Health
Classification: Uncertain significance for Marfan syndrome. Last evaluated: 2023-10-02. Review status: criteria provided, single submitter. Criteria: ACMG Guidelines, 2015. Collection method: clinical testing. Allele origin: germline. Inheritance: Autosomal dominant inheritance. Observed: 2 variant alleles, 2 heterozygotes.
Comment: This variant is located in the FBN1 protein. To our knowledge, functional studies have not been reported for this variant. This variant has not been reported in individuals affected with FBN1-related disorders in the literature. This variant has not been identified in the general population by the Genome Aggregation Database (gnomAD). The available evidence is insufficient to determine the role of this variant in disease conclusively. Therefore, this variant is classified as a Variant of Uncertain Significance.

This study involves interpretation of variants in research participants for the purpose of population health screening. Participant phenotype was not available at the time of variant classification. Additional details can be found in publication PMID: 35346344, PMCID: PMC8962531